The following is an entry in ClinVar:

NM_001009944.3(PKD1):c.6483dup (p.Arg2162fs)

Gene: PKD1 (polycystin 1, transient receptor potential channel interacting; minus strand). Cytogenetic location: 16p13.3.
Variant type: Duplication.
Coding change: c.6483dup on transcript NM_001009944.3 (MANE Select); coding-DNA position 6483, one base duplicated (G; older notation c.6483dupG).
Protein change: p.Arg2162fs; shifts the reading frame from arginine 2162.
Molecular consequence: frameshift variant.
Genome position (GRCh38, 1-based): chr16:2,108,684, C duplicated on the plus strand (G on the coding strand, the reverse complement: PKD1 is on the minus strand). VCF-style (leftmost placement, unchanged base first): chr16-2108683-G-GC. GRCh37 (hg19) VCF-style: chr16-2158684-G-GC.
Other names: c.6483dup, p.Arg2162fs (NM_000296.4); c.6483dupG (NM_001009944.3); short protein forms R2162fs.
Identifiers: ClinVar variation 931984 (VCV000931984.5), dbSNP rs1334651902, ClinGen allele CA718972649.

ClinVar aggregate classification (germline): Pathogenic. Review status: criteria provided, multiple submitters, no conflicts (2 of 4 stars). 3 submissions from 3 submitters: Pathogenic (3). Last evaluated 2026-04-17.

Conditions:
Polycystic kidney disease, adult type (PKD1). Also called: Polycystic Kidney Disease 1, Autosomal Dominant; Polycystic kidney disease 1; Polycystic kidney disease 1, severe; Polycystic Kidney, Autosomal Dominant; POLYCYSTIC KIDNEY DISEASE, ADULT, TYPE I; POLYCYSTIC KIDNEY DISEASE 1 WITH OR WITHOUT POLYCYSTIC LIVER DISEASE. Identifiers: MedGen C3149841, MONDO:0008263, OMIM 173900.

Allele frequency attached by ClinVar (database versions not stated): TOPMed below 0.00001.

Submissions (3):

Women's Health and Genetics/Laboratory Corporation of America, LabCorp
Classification: Pathogenic for Polycystic kidney disease, adult type. Last evaluated: 2026-04-17. Review status: criteria provided, single submitter. Criteria: LabCorp Variant Classification Summary - May 2015. Collection method: clinical testing. Allele origin: germline.
Comment: Variant summary: PKD1 c.6483dupG (p.Arg2162AlafsX13) results in a premature termination codon, predicted to cause a truncation of the encoded protein or absence of the protein due to nonsense mediated decay, which are commonly known mechanisms for disease. Loss-of-function variants in PKD1 are known to be pathogenic. The variant was absent in 180734 control chromosomes (gnomAD). c.6483dupG has been observed in an individual affected with Autosomal Dominant Polycystic Kidney Disease 1 (Cornec-Le Gall_2016). To our knowledge, no experimental evidence demonstrating an impact on protein function has been reported. The following publication has been ascertained in the context of this evaluation (PMID: 26150605). ClinVar contains an entry for this variant (Variation ID: 931984). Based on the evidence outlined above, the variant was classified as pathogenic.

MVZ Martinsried, Medicover Genetics
Classification: Pathogenic for Polycystic kidney disease, adult type. Last evaluated: 2024-01-16. Review status: criteria provided, single submitter. Criteria: ACGS Guidelines, 2020. Collection method: clinical testing. Allele origin: unknown. Affected: yes.

Centre for Mendelian Genomics, University Medical Centre Ljubljana
Classification: Pathogenic for Polycystic kidney disease, adult type. Last evaluated: 2019-07-01. Review status: criteria provided, single submitter. Criteria: ACMG Guidelines, 2015. Collection method: clinical testing. Allele origin: unknown. Affected: yes.
Comment: This variant was classified as: Pathogenic. The following ACMG criteria were applied in classifying this variant: PVS1,PM2,PP5.

Literature cited by the submitters: PubMed 26150605 (cited by Women's Health and Genetics/Laboratory Corporation of America, LabCorp).